The following is an entry in ClinVar:

NM_004360.5(CDH1):c.1137+2T>C

Gene: CDH1 (cadherin 1; plus strand). Cytogenetic location: 16q22.1.
Variant type: single nucleotide variant.
Coding change: c.1137+2T>C on transcript NM_004360.5 (MANE Select); the canonical splice donor site of the intron after coding-DNA position 1137, T replaced by C.
Molecular consequence: splice donor variant.
Genome position (GRCh38, 1-based): chr16:68,812,265, T>C. VCF-style: chr16-68812265-T-C. GRCh37 (hg19) VCF-style: chr16-68846168-T-C.
Other names: c.-479+2T>C (NM_001317185.2); c.-683+2T>C (NM_001317186.2); c.1137+2T>C (NM_001317184.2).
Identifiers: ClinVar variation 186267 (VCV000186267.23), dbSNP rs786202817, ClinGen allele CA194301.

ClinVar aggregate classification (germline): Likely pathogenic. Review status: reviewed by expert panel (3 of 4 stars). 4 submissions from 4 submitters: Likely pathogenic (1). 3 of the submissions do not count toward it. Last evaluated 2023-10-23.

Conditions:
CDH1-related diffuse gastric and lobular breast cancer syndrome. Also called: CDH1-related diffuse gastric and lobular breast cancer. Identifiers: MedGen CN311521, MONDO:0100488.
Hereditary cancer-predisposing syndrome. Also called: Neoplastic Syndromes, Hereditary; Hereditary Cancer Syndrome; Tumor predisposition; Hereditary neoplastic syndrome. Identifiers: Orphanet 140162, MedGen C0027672, MeSH D009386, MONDO:0015356.
Hereditary diffuse gastric adenocarcinoma (HDGC). Also called: DIFFUSE GASTRIC AND LOBULAR BREAST CANCER SYNDROME. Identifiers: Orphanet 26106, MedGen C1708349, MONDO:0007648, OMIM 137215.

Submissions (4):

Clingen Gastric Cancer Variant Curation Expert Panel
Classification: Likely pathogenic for CDH1-related diffuse gastric and lobular breast cancer syndrome. Last evaluated: 2023-10-23. Review status: reviewed by expert panel. Criteria: ClinGen CDH1 ACMG Specifications V3.1. Collection method: curation. Allele origin: germline. Inheritance: Autosomal dominant inheritance.
Comment: This c.1137+2T>C variant occurs at the canonical donor splice site of exon 8 (PVS1_strong, PM5_Supporting). This variant is absent from populations in gnomAD (PM2_Supporting) and has been observed in at least one individual meeting IGCLC criteria for HDGC (PS4_supporting; internal laboratory data). In summary, this variant meets criteria to be classified as likely pathogenic based on ACMG/AMP criteria applied as specified by the CDH1 Variant Curation Expert Panel: PVS1_strong, PM2_Supporting, PS4_supporting, PM5_Supporting (Variant Interpretation Guidelines Version 3.1).

Ambry Genetics
Classification: Likely pathogenic for Hereditary cancer-predisposing syndrome. Last evaluated: 2026-06-15. Review status: criteria provided, single submitter. Criteria: Ambry Variant Classification Scheme 2023. Collection method: clinical testing. Allele origin: germline. Not counted in ClinVar's aggregate classification.
Comment: The c.1137+2T>C intronic variant results from a T to C substitution two nucleotides after coding exon 8 in the CDH1 gene. This variant was reported in individual(s) with features consistent with CDH-1 related diffuse gastric and lobular breast cancer (Adib E et al. Br J Cancer, 2022 Mar;126:797-803). This nucleotide position is highly conserved in available vertebrate species. In silico splice site analysis predicts that this alteration will weaken the native splice donor site. Other variant(s) impacting the same donor site (c1137G>A, c.1137+1G>A) have been identified in individual(s) with features consistent with CDH-1 related diffuse gastric and lobular breast cancer (Ambry internal data). Based on the majority of available evidence to date, this variant is likely to be pathogenic.

Color Diagnostics, LLC DBA Color Health
Classification: Likely pathogenic for Hereditary cancer-predisposing syndrome. Last evaluated: 2020-05-26. Review status: criteria provided, single submitter. Criteria: ACMG Guidelines, 2015. Collection method: clinical testing. Allele origin: germline. Not counted in ClinVar's aggregate classification.
Comment: This variant causes a T to C nucleotide substitution at the canonical +2 position of intron 8 splice donor site of the CDH1 gene. Splice site prediction tools predict that this variant may have a significant impact on RNA splicing. Although functional studies have not been reported for this variant, this variant is expected to result in an absent or non-functional protein product. This variant has been reported in an individual affected with breast cancer (PMID: 31296550). This variant has not been identified in the general population by the Genome Aggregation Database (gnomAD). A different variant affecting the same splice donor site c.1137+1G>A is known to be disease-causing (Clinvar variation ID: 233979). Loss of CDH1 function is a known mechanism of disease. Based on the available evidence, this variant is classified as Likely Pathogenic.

Labcorp Genetics (formerly Invitae), Labcorp
Classification: Pathogenic for Hereditary diffuse gastric adenocarcinoma. Last evaluated: 2020-01-31. Review status: criteria provided, single submitter. Criteria: Invitae Variant Classification Sherloc (09022015). Collection method: clinical testing. Allele origin: germline. Not counted in ClinVar's aggregate classification.
Comment: For these reasons, this variant has been classified as Pathogenic. Donor and acceptor splice site variants typically lead to a loss of protein function (PMID: 16199547), and loss-of-function variants in CDH1 are known to be pathogenic (PMID: 15235021, 20373070). Algorithms developed to predict the effect of sequence changes on RNA splicing suggest that this variant may disrupt the consensus splice site, but this prediction has not been confirmed by published transcriptional studies. Disruption of this splice site has been observed in individuals with diffuse gastric cancer (PMID: 10477433, Invitae). It has also been observed to segregate with disease in related individuals. ClinVar contains an entry for this variant (Variation ID: 186267). This variant is not present in population databases (ExAC no frequency). This sequence change affects a donor splice site in intron 8 of the CDH1 gene. It is expected to disrupt RNA splicing and likely results in an absent or disrupted protein product.

Literature cited by the submitters: PubMed 34949788 (cited by Ambry Genetics); PubMed 16199547 (cited by Labcorp Genetics (formerly Invitae), Labcorp); PubMed 15235021 (cited by Labcorp Genetics (formerly Invitae), Labcorp); PubMed 20373070 (cited by Labcorp Genetics (formerly Invitae), Labcorp); PubMed 10477433 (cited by Labcorp Genetics (formerly Invitae), Labcorp).